The following is an entry in ClinVar:

ClinVar aggregate classification (germline): Benign/Likely benign. Review status: criteria provided, multiple submitters, no conflicts (2 of 4 stars). 5 submissions from 5 submitters: Benign (3); Likely benign (1). 1 of the submissions does not count toward it. Last evaluated 2026-02-03.

Conditions:
Peroxisome biogenesis disorder 12A (Zellweger). Also called: Peroxisome biogenesis disorder 12A. Identifiers: Orphanet 912, MedGen C3554002, MONDO:0013951, OMIM 614886.

Allele frequency attached by ClinVar (database versions not stated): ExAC 0.00471; 1000 Genomes Project 0.01478; ESP Exome Variant Server 0.01569; TOPMed 0.01645; 1000 Genomes Project 30x 0.01718.
gnomAD v4.1: 4,504 of 1,612,576 alleles (0.28%); highest among the groups gnomAD compares: African/African-American, 5.4%; 127 homozygotes.

Submissions (5):

Labcorp Genetics (formerly Invitae), Labcorp
Classification: Benign for Peroxisome biogenesis disorder 12A (Zellweger). Last evaluated: 2026-02-03. Review status: criteria provided, single submitter. Criteria: Invitae Variant Classification Sherloc (09022015). Collection method: clinical testing. Allele origin: germline.

Fulgent Genetics
Classification: Likely benign for Peroxisome biogenesis disorder 12A (Zellweger). Last evaluated: 2021-10-08. Review status: criteria provided, single submitter. Criteria: ACMG Guidelines, 2015. Collection method: clinical testing. Allele origin: unknown.

GeneDx
Classification: Benign. Last evaluated: 2020-02-03. Review status: criteria provided, single submitter. Criteria: GeneDx Variant Classification Process June 2021. Collection method: clinical testing. Allele origin: germline. Affected: yes.

Illumina Laboratory Services, Illumina
Classification: Benign for Peroxisome biogenesis disorder 12A (Zellweger). Last evaluated: 2018-01-13. Review status: criteria provided, single submitter. Criteria: ICSL Variant Classification Criteria 13 December 2019. Collection method: clinical testing. Allele origin: germline.
Comment: This variant was observed in the ICSL laboratory as part of a predisposition screen in an ostensibly healthy population. It had not been previously curated by ICSL or reported in the Human Gene Mutation Database (HGMD: prior to June 1st, 2018), and was therefore a candidate for classification through an automated scoring system. Utilizing variant allele frequency, disease prevalence and penetrance estimates, and inheritance mode, an automated score was calculated to assess if this variant is too frequent to cause the disease. Based on the score and internal cut-off values, a variant classified as benign is not then subjected to further curation. The score for this variant resulted in a classification of benign for this disease.

Mayo Clinic Laboratories, Mayo Clinic
Classification: Benign. Last evaluated: 2016-10-14. Review status: no assertion criteria provided. Collection method: clinical testing. Allele origin: unknown. Not counted in ClinVar's aggregate classification.

NM_002857.4(PEX19):c.181-15A>G

Gene: PEX19 (peroxisomal biogenesis factor 19; minus strand). Cytogenetic location: 1q23.2.
Variant type: single nucleotide variant.
Coding change: c.181-15A>G on transcript NM_002857.4 (MANE Select); 15 bases into the intron before coding-DNA position 181, A replaced by G.
Molecular consequence: intron variant.
Genome position (GRCh38, 1-based): chr1:160,283,124, T>C on the plus strand (A>G on the coding strand, the complement: PEX19 is on the minus strand). VCF-style: chr1-160283124-T-C. GRCh37 (hg19) VCF-style: chr1-160252914-T-C.
Other names: c.181-15A>G (NM_001193644.1).
Identifiers: ClinVar variation 293233 (VCV000293233.20), dbSNP rs114403769, ClinGen allele CA1197445.